The following is an entry in ClinVar:

ClinVar aggregate classification (germline): Benign/Likely benign. Review status: criteria provided, multiple submitters, no conflicts (2 of 4 stars). 7 submissions from 7 submitters: Benign (3); Likely benign (3). 1 of the submissions does not count toward it. Last evaluated 2026-06-08.

Conditions:
COPA-related disorder. Also called: COPA-related condition.
Autoimmune interstitial lung disease-arthritis syndrome. Also called: Autoinflammation and autoimmunity, systemic, with immune dysregulation. Identifiers: Orphanet 444092, MedGen C5975714, MONDO:0014629.

Allele frequency attached by ClinVar (database versions not stated): ESP Exome Variant Server 0.00069; 1000 Genomes Project 30x 0.00109; 1000 Genomes Project 0.00120; gnomAD 0.00046 and 0.00050; TOPMed 0.00060.
gnomAD v4.1: 717 of 1,614,172 alleles (0.044%); highest among the groups gnomAD compares: Middle Eastern, 0.2%; 4 homozygotes.

Submissions (7):

Women's Health and Genetics/Laboratory Corporation of America, LabCorp
Classification: Benign. Last evaluated: 2026-06-08. Review status: criteria provided, single submitter. Criteria: LabCorp Variant Classification Summary - May 2015. Collection method: clinical testing. Allele origin: germline.

Labcorp Genetics (formerly Invitae), Labcorp
Classification: Benign for Autoimmune interstitial lung disease-arthritis syndrome. Last evaluated: 2026-01-18. Review status: criteria provided, single submitter. Criteria: Invitae Variant Classification Sherloc (09022015). Collection method: clinical testing. Allele origin: germline.

Mayo Clinic Laboratories, Mayo Clinic
Classification: Likely benign. Last evaluated: 2025-02-25. Review status: criteria provided, single submitter. Criteria: ACMG Guidelines, 2015. Collection method: clinical testing. Allele origin: germline. Observed: 1 variant allele.
Comment: BS1, BP4, BP7

Blueprint Genetics
Classification: Likely benign. Last evaluated: 2024-11-21. Review status: criteria provided, single submitter. Criteria: ACMG Guidelines, 2015. Collection method: clinical testing. Allele origin: germline.

CeGaT Center for Human Genetics Tuebingen
Classification: Likely benign. Last evaluated: 2024-11-01. Review status: criteria provided, single submitter. Criteria: CeGaT Center For Human Genetics Tuebingen Variant Classification Criteria Version 2. Collection method: clinical testing. Allele origin: germline. Affected: yes. Observed: 1 variant allele.
Comment: COPA: BP4, BP7

Breakthrough Genomics
Classification: Benign. Review status: criteria provided, single submitter. Criteria: ACMG Guidelines, 2015. Collection method: not provided. Allele origin: germline. Inheritance: Autosomal dominant inheritance. Affected: yes.

PreventionGenetics, part of Exact Sciences
Classification: Benign for COPA-related condition. Last evaluated: 2019-07-15. Review status: no assertion criteria provided. Collection method: clinical testing. Allele origin: germline. Not counted in ClinVar's aggregate classification.
Comment: This variant is classified as benign based on ACMG/AMP sequence variant interpretation guidelines (Richards et al. 2015 PMID: 25741868, with internal and published modifications).

NM_004371.4(COPA):c.192A>G (p.Pro64=)

Gene: COPA (coat protein complex I subunit alpha; minus strand). Cytogenetic location: 1q23.2.
Variant type: single nucleotide variant.
Coding change: c.192A>G on transcript NM_004371.4 (MANE Select); coding-DNA position 192, A replaced by G.
Protein change: p.Pro64=; no amino-acid change (proline 64 retained).
Molecular consequence: synonymous variant.
Genome position (GRCh38, 1-based): chr1:160,339,945, T>C on the plus strand (A>G on the coding strand, the complement: COPA is on the minus strand). VCF-style: chr1-160339945-T-C. GRCh37 (hg19) VCF-style: chr1-160309735-T-C.
Other names: p.Pro64=; c.192A>G, p.Pro64= (LRG_1336t1, NM_001098398.2).
Identifiers: ClinVar variation 542644 (VCV000542644.32), dbSNP rs143827776, ClinGen allele CA1198441.